The following is an entry in ClinVar:

ClinVar aggregate classification (germline): Uncertain significance (1 of 4 stars; one submission).

Conditions:
Hereditary cancer-predisposing syndrome. Also called: Neoplastic Syndromes, Hereditary; Tumor predisposition; Hereditary neoplastic syndrome; Hereditary Cancer Syndrome. Identifiers: Orphanet 140162, MedGen C0027672, MeSH D009386, MONDO:0015356.

Submission:

Ambry Genetics
Classification: Uncertain significance for Hereditary cancer-predisposing syndrome. Last evaluated: 2024-05-24. Review status: criteria provided, single submitter. Criteria: Ambry Variant Classification Scheme 2023. Collection method: clinical testing. Allele origin: germline.
Comment: The p.M847R variant (also known as c.2540T>G), located in coding exon 16 of the ATM gene, results from a T to G substitution at nucleotide position 2540. The methionine at codon 847 is replaced by arginine, an amino acid with similar properties. This amino acid position is conserved. In addition, this alteration is predicted to be tolerated by in silico analysis. Based on the available evidence, the clinical significance of this variant remains unclear.

NM_000051.4(ATM):c.2540T>G (p.Met847Arg)

Gene: ATM (ATM serine/threonine kinase; plus strand). Cytogenetic location: 11q22.3.
Variant type: single nucleotide variant.
Coding change: c.2540T>G on transcript NM_000051.4 (MANE Select); coding-DNA position 2540, T replaced by G.
Protein change: p.Met847Arg; replaces methionine 847 with arginine.
Molecular consequence: missense variant.
Genome position (GRCh38, 1-based): chr11:108,267,244, T>G. VCF-style: chr11-108267244-T-G. GRCh37 (hg19) VCF-style: chr11-108137971-T-G.
Other names: c.2540T>G, p.Met847Arg (NM_001351834.2); short protein forms M847R.
Identifiers: ClinVar variation 3326405 (VCV003326405.1).